The following is an entry in ClinVar:

ClinVar aggregate classification (germline): Uncertain significance. Review status: criteria provided, multiple submitters, no conflicts (2 of 4 stars). 2 submissions from 2 submitters: Uncertain significance (2). Last evaluated 2025-03-18.

Conditions:
Inborn genetic diseases. Identifiers: MedGen C0950123, MeSH D030342.
Polyglandular autoimmune syndrome, type 1 (APS1). Also called: Autoimmune polyendocrinopathy syndrome , type I, with or without reversible metaphyseal dysplasia; AUTOIMMUNE POLYENDOCRINE SYNDROME, TYPE I, WITH OR WITHOUT REVERSIBLE METAPHYSEAL DYSPLASIA; APS I; Whitaker syndrome; Autoimmune polyendocrine syndrome type 1; HYPOADRENOCORTICISM WITH HYPOPARATHYROIDISM AND SUPERFICIAL MONILIASIS. Identifiers: Orphanet 3453, MedGen C0085859, MONDO:0009411, OMIM 240300.

Allele frequency attached by ClinVar (database versions not stated): gnomAD exomes below 0.00001; TOPMed below 0.00001; ExAC 0.00005; ESP Exome Variant Server 0.00008.
gnomAD v4.1: 1 of 1,556,434 alleles (0.000064%); highest among the groups gnomAD compares: Non-Finnish European, 0.000087%; no homozygotes.

Submissions (2):

Labcorp Genetics (formerly Invitae), Labcorp
Classification: Uncertain significance for Polyglandular autoimmune syndrome, type 1. Last evaluated: 2025-03-18. Review status: criteria provided, single submitter. Criteria: Invitae Variant Classification Sherloc (09022015). Collection method: clinical testing. Allele origin: germline.
Comment: This sequence change replaces proline, which is neutral and non-polar, with leucine, which is neutral and non-polar, at codon 176 of the AIRE protein (p.Pro176Leu). The frequency data for this variant in the population databases is considered unreliable, as metrics indicate poor data quality at this position in the gnomAD database. This variant has not been reported in the literature in individuals affected with AIRE-related conditions. ClinVar contains an entry for this variant (Variation ID: 1017041). Invitae Evidence Modeling of protein sequence and biophysical properties (such as structural, functional, and spatial information, amino acid conservation, physicochemical variation, residue mobility, and thermodynamic stability) indicates that this missense variant is not expected to disrupt AIRE protein function with a negative predictive value of 95%. In summary, the available evidence is currently insufficient to determine the role of this variant in disease. Therefore, it has been classified as a Variant of Uncertain Significance.

Ambry Genetics
Classification: Uncertain significance for Inborn genetic diseases. Last evaluated: 2024-12-03. Review status: criteria provided, single submitter. Criteria: Ambry Variant Classification Scheme 2023. Collection method: clinical testing. Allele origin: germline.

NM_000383.4(AIRE):c.527C>T (p.Pro176Leu)

Gene: AIRE (autoimmune regulator; plus strand). Cytogenetic location: 21q22.3.
Variant type: single nucleotide variant.
Coding change: c.527C>T on transcript NM_000383.4 (MANE Select); coding-DNA position 527, C replaced by T.
Protein change: p.Pro176Leu; replaces proline 176 with leucine.
Molecular consequence: missense variant.
Genome position (GRCh38, 1-based): chr21:44,287,580, C>T. VCF-style: chr21-44287580-C-T. GRCh37 (hg19) VCF-style: chr21-45707463-C-T.
Other names: c.527C>T (NM_000383.2); short protein forms P176L.
Identifiers: ClinVar variation 1017041 (VCV001017041.9), dbSNP rs375658223, ClinGen allele CA10051594.